The following is an entry in ClinVar:

ClinVar aggregate classification (germline): Uncertain significance (1 of 4 stars; one submission).

Submission:

Labcorp Genetics (formerly Invitae), Labcorp
Classification: Uncertain significance. Last evaluated: 2022-09-07. Review status: criteria provided, single submitter. Criteria: Invitae Variant Classification Sherloc (09022015). Collection method: clinical testing. Allele origin: germline.
Comment: In summary, the available evidence is currently insufficient to determine the role of this variant in disease. Therefore, it has been classified as a Variant of Uncertain Significance. Experimental studies and prediction algorithms are not available or were not evaluated, and the effect of this variant on mRNA splicing is currently unknown. This variant is also known as p.Ser1501Argfs*26. This variant has not been reported in the literature in individuals affected with PIEZO1-related conditions. This variant is not present in population databases (gnomAD no frequency). This sequence change falls in intron 33 of the PIEZO1 gene. It does not directly change the encoded amino acid sequence of the PIEZO1 protein.

NM_001142864.4(PIEZO1):c.4496-3_4499dup

Gene: PIEZO1 (piezo type mechanosensitive ion channel component 1 (Er blood group); minus strand). Cytogenetic location: 16q24.3.
Variant type: Duplication.
Coding change: c.4496-3_4499dup on transcript NM_001142864.4 (MANE Select); 3 bases into the intron before coding-DNA position 4496 through coding-DNA position 4499, 7 bases duplicated (CAGGCCG; older notation c.4496-3_4499dupCAGGCCG).
Molecular consequence: splice acceptor variant.
Genome position (GRCh38, 1-based): chr16:88,723,006-88,723,012, CGGCCTG duplicated on the plus strand (CAGGCCG on the coding strand, the reverse complement: PIEZO1 is on the minus strand); duplicating any 7 consecutive bases within chr16:88,723,006-88,723,015 gives the same sequence; the c. name uses the placement nearest the transcript's 3' end. VCF-style (leftmost placement, unchanged base first): chr16-88723005-C-CCGGCCTG. GRCh37 (hg19) VCF-style: chr16-88789413-C-CCGGCCTG.
Identifiers: ClinVar variation 1966044 (VCV001966044.5), dbSNP rs2507858782, ClinGen allele CA2580092224.